The following is an entry in ClinVar:

ClinVar aggregate classification (germline): Likely benign. Review status: criteria provided, multiple submitters, no conflicts (2 of 4 stars). 2 submissions from 2 submitters: Likely benign (2). Last evaluated 2026-09-23.

Conditions:
JAG1-related disorder. Also called: JAG1-related disorders; JAG1-related condition.
Alagille syndrome due to a JAG1 point mutation. Also called: JAG1-Related Alagille Syndrome; Alagille Syndrome 1; HEPATIC DUCTULAR HYPOPLASIA, SYNDROMATIC. Identifiers: Orphanet 261619, Orphanet 52, MedGen C1956125, MONDO:0016862, OMIM 118450.

Allele frequency attached by ClinVar (database versions not stated): gnomAD exomes below 0.00001; ExAC 0.00001.
gnomAD v4.1: 2 of 1,614,220 alleles (0.00012%); highest among the groups gnomAD compares: Non-Finnish European, 0.00017%; no homozygotes.

Submissions (2):

PreventionGenetics, part of Exact Sciences
Classification: Likely benign for JAG1-related condition. Last evaluated: 2026-09-23. Review status: criteria provided, single submitter. Criteria: ACMG Guidelines, 2015. Collection method: clinical testing. Allele origin: germline.
Comment: This variant is classified as likely benign based on ACMG/AMP sequence variant interpretation guidelines (Richards et al. 2015 PMID: 25741868, with internal and published modifications).

Labcorp Genetics (formerly Invitae), Labcorp
Classification: Likely benign for Alagille syndrome due to a JAG1 point mutation. Last evaluated: 2023-01-24. Review status: criteria provided, single submitter. Criteria: Invitae Variant Classification Sherloc (09022015). Collection method: clinical testing. Allele origin: germline.

NM_000214.3(JAG1):c.1737A>G (p.Thr579=)

Gene: JAG1 (jagged canonical Notch ligand 1; minus strand). Cytogenetic location: 20p12.2.
Variant type: single nucleotide variant.
Coding change: c.1737A>G on transcript NM_000214.3 (MANE Select); coding-DNA position 1737, A replaced by G.
Protein change: p.Thr579=; no amino-acid change (threonine 579 retained).
Molecular consequence: synonymous variant.
Genome position (GRCh38, 1-based): chr20:10,647,087, T>C on the plus strand (A>G on the coding strand, the complement: JAG1 is on the minus strand). VCF-style: chr20-10647087-T-C. GRCh37 (hg19) VCF-style: chr20-10627735-T-C.
Other names: c.1737A>G (NM_000214.2).
Identifiers: ClinVar variation 2722392 (VCV002722392.4), dbSNP rs750987361, ClinGen allele CA9764757.
Genomic context (GRCh38, chr20:10,647,087, plus strand): 5'-ACAGACGTTGGAGGAAATATACCGCACCCCTTCAGGTGTGTCGTTGGAAGCCATGGCCAC[T>C]GTGCAGCTGTCAATCACTAGAAGATAGGCTTGGGATCAGATCACAGCCATGCACCCACAG-3'
Protein context (NP_000205.1, residues 569-589): TTPCEVIDSC[Thr579=]VAMASNDTPE